The following is an entry in ClinVar:

ClinVar aggregate classification (germline): Conflicting classifications of pathogenicity. Review status: criteria provided, conflicting classifications (1 of 4 stars). 2 submissions from 2 submitters: Likely pathogenic (1); Uncertain significance (1). Last evaluated 2023-07-25.

Conditions:
Complex cortical dysplasia with other brain malformations 1. Identifiers: Orphanet 300570, MedGen C3808397, MONDO:0013541, OMIM 614039.

Submissions (2):

Labcorp Genetics (formerly Invitae), Labcorp
Classification: Uncertain significance. Last evaluated: 2023-07-25. Review status: criteria provided, single submitter. Criteria: Invitae Variant Classification Sherloc (09022015). Collection method: clinical testing. Allele origin: germline.
Comment: In summary, the available evidence is currently insufficient to determine the role of this variant in disease. Therefore, it has been classified as a Variant of Uncertain Significance. Advanced modeling of protein sequence and biophysical properties (such as structural, functional, and spatial information, amino acid conservation, physicochemical variation, residue mobility, and thermodynamic stability) performed at Invitae indicates that this missense variant is not expected to disrupt TUBB3 protein function. This variant has not been reported in the literature in individuals affected with TUBB3-related conditions. This variant is not present in population databases (gnomAD no frequency). This sequence change replaces asparagine, which is neutral and polar, with lysine, which is basic and polar, at codon 52 of the TUBB3 protein (p.Asn52Lys).

Clinical Genetics Service, Universitary Hospital 12 de Octubre
Classification: Likely pathogenic for Complex cortical dysplasia with other brain malformations 1. Review status: criteria provided, single submitter. Criteria: ACMG Guidelines, 2015. Collection method: clinical testing. Allele origin: de novo. Affected: yes.

NM_006086.4(TUBB3):c.156C>G (p.Asn52Lys)

Gene: TUBB3 (tubulin beta 3 class III; plus strand). Cytogenetic location: 16q24.3.
Variant type: single nucleotide variant.
Coding change: c.156C>G on transcript NM_006086.4 (MANE Select); coding-DNA position 156, C replaced by G.
Protein change: p.Asn52Lys; replaces asparagine 52 with lysine.
Molecular consequence: missense variant. On other transcripts: 5 prime UTR variant (1).
Genome position (GRCh38, 1-based): chr16:89,932,669, C>G. VCF-style: chr16-89932669-C-G. GRCh37 (hg19) VCF-style: chr16-89999077-C-G.
Other names: c.-61C>G (NM_001197181.2); short protein forms N52K.
Identifiers: ClinVar variation 2974805 (VCV002974805.4), dbSNP rs1343459898, ClinGen allele CA397471104.
Genomic context (GRCh38, chr16:89,932,669, plus strand): 5'-CAGCGGCAACTACGTGGGCGACTCGGACTTGCAGCTGGAGCGGATCAGCGTCTACTACAA[C>G]GAGGCCTCTTGTGAGTGCCTGCCCCAGCCTCCCTATCCCAGCCCTGGACTGACCAGGTCT-3'
Protein context (NP_006077.2, residues 42-62): LQLERISVYY[Asn52Lys]EASSHKYVPR